The following is an entry in ClinVar:

ClinVar aggregate classification (germline): Conflicting classifications of pathogenicity. Review status: criteria provided, conflicting classifications (1 of 4 stars). 2 submissions from 2 submitters: Uncertain significance (1); Likely benign (1). Last evaluated 2025-01-02.

Conditions:
VPS13B-related disorder. Also called: VPS13B-related condition.
Inborn genetic diseases. Identifiers: MedGen C0950123, MeSH D030342.

Allele frequency attached by ClinVar (database versions not stated): TOPMed below 0.00001; gnomAD exomes 0.00001.
gnomAD v4.1: 10 of 1,610,352 alleles (0.00062%); highest among the groups gnomAD compares: Non-Finnish European, 0.00076%; no homozygotes.

Submissions (2):

PreventionGenetics, part of Exact Sciences
Classification: Uncertain significance for VPS13B-related condition. Last evaluated: 2025-01-02. Review status: criteria provided, single submitter. Criteria: ACMG Guidelines, 2015. Collection method: clinical testing. Allele origin: germline.
Comment: The VPS13B c.1891C>T variant is predicted to result in the amino acid substitution p.Leu631Phe. To our knowledge, this variant has not been reported in the literature or in a large population database (gnomAD), indicating this variant is rare. At this time, the clinical significance of this variant is uncertain due to the absence of conclusive functional and genetic evidence.

Ambry Genetics
Classification: Likely benign for Inborn genetic diseases. Last evaluated: 2022-01-27. Review status: criteria provided, single submitter. Criteria: Ambry Variant Classification Scheme 2023. Collection method: clinical testing. Allele origin: germline.

NM_152564.5(VPS13B):c.1891C>T (p.Leu631Phe)

Gene: VPS13B (vacuolar protein sorting 13 homolog B; plus strand). Cytogenetic location: 8q22.2.
Variant type: single nucleotide variant.
Coding change: c.1891C>T on transcript NM_152564.5 (MANE Select); coding-DNA position 1891, C replaced by T.
Protein change: p.Leu631Phe; replaces leucine 631 with phenylalanine.
Molecular consequence: missense variant.
Genome position (GRCh38, 1-based): chr8:99,147,888, C>T. VCF-style: chr8-99147888-C-T. GRCh37 (hg19) VCF-style: chr8-100160116-C-T.
Other names: c.1891C>T, p.Leu631Phe (NM_015243.3, NM_017890.5); short protein forms L631F.
Identifiers: ClinVar variation 2274373 (VCV002274373.3), dbSNP rs1810826717, ClinGen allele CA371864330.